The following is an entry in ClinVar:

NM_000051.4(ATM):c.5665T>G (p.Leu1889Val)

Gene: ATM (ATM serine/threonine kinase; plus strand). Cytogenetic location: 11q22.3.
Variant type: single nucleotide variant.
Coding change: c.5665T>G on transcript NM_000051.4 (MANE Select); coding-DNA position 5665, T replaced by G.
Protein change: p.Leu1889Val; replaces leucine 1889 with valine.
Molecular consequence: missense variant.
Genome position (GRCh38, 1-based): chr11:108,304,843, T>G. VCF-style: chr11-108304843-T-G. GRCh37 (hg19) VCF-style: chr11-108175570-T-G.
Other names: c.5665T>G, p.Leu1889Val (NM_001351834.2); short protein forms L1889V.
Identifiers: ClinVar variation 2829041 (VCV002829041.4), dbSNP rs746106249, ClinGen allele CA6265748.

ClinVar aggregate classification (germline): Uncertain significance. Review status: criteria provided, multiple submitters, no conflicts (2 of 4 stars). 2 submissions from 2 submitters: Uncertain significance (2). Last evaluated 2025-03-14.

Conditions:
Hereditary cancer-predisposing syndrome. Also called: Neoplastic Syndromes, Hereditary; Tumor predisposition; Hereditary Cancer Syndrome; Hereditary neoplastic syndrome. Identifiers: Orphanet 140162, MedGen C0027672, MeSH D009386, MONDO:0015356.
Ataxia-telangiectasia syndrome (AT). Also called: LOUIS-BAR SYNDROME; Ataxia-telangiectasia, complementation group D; ATAXIA-TELANGIECTASIA, COMPLEMENTATION GROUP A; ATAXIA-TELANGIECTASIA, FRESNO VARIANT; Ataxia-telangiectasia; Ataxia telangiectasia (A-T). Identifiers: Orphanet 100, MedGen C0004135, MONDO:0008840, OMIM 208900.

Allele frequency attached by ClinVar (database versions not stated): gnomAD exomes below 0.00001; ExAC 0.00001.
gnomAD v4.1: 1 of 1,614,004 alleles (0.000062%); highest among the groups gnomAD compares: Non-Finnish European, 0.000085%; no homozygotes.

Submissions (2):

Ambry Genetics
Classification: Uncertain significance for Hereditary cancer-predisposing syndrome. Last evaluated: 2025-03-14. Review status: criteria provided, single submitter. Criteria: Ambry Variant Classification Scheme 2023. Collection method: clinical testing. Allele origin: germline.
Comment: The p.L1889V variant (also known as c.5665T>G), located in coding exon 36 of the ATM gene, results from a T to G substitution at nucleotide position 5665. The leucine at codon 1889 is replaced by valine, an amino acid with highly similar properties. This amino acid position is conserved. In addition, this alteration is predicted to be tolerated by in silico analysis. Based on the available evidence, the clinical significance of this variant remains unclear.

Labcorp Genetics (formerly Invitae), Labcorp
Classification: Uncertain significance for Ataxia-telangiectasia syndrome. Last evaluated: 2023-06-11. Review status: criteria provided, single submitter. Criteria: Invitae Variant Classification Sherloc (09022015). Collection method: clinical testing. Allele origin: germline.
Comment: This sequence change replaces leucine, which is neutral and non-polar, with valine, which is neutral and non-polar, at codon 1889 of the ATM protein (p.Leu1889Val). This variant is present in population databases (rs746106249, gnomAD 0.0009%). This variant has not been reported in the literature in individuals affected with ATM-related conditions. An algorithm developed to predict the effect of missense changes on protein structure and function (PolyPhen-2) suggests that this variant is likely to be tolerated. In summary, the available evidence is currently insufficient to determine the role of this variant in disease. Therefore, it has been classified as a Variant of Uncertain Significance.